The following is an entry in ClinVar:

ClinVar aggregate classification (germline): Uncertain significance (1 of 4 stars; one submission).

Submission:

GeneDx
Classification: Uncertain significance. Last evaluated: 2025-03-17. Review status: criteria provided, single submitter. Criteria: GeneDx Variant Classification Process June 2021. Collection method: clinical testing. Allele origin: germline. Affected: yes.
Comment: Not observed at significant frequency in large population cohorts (gnomAD); In silico analysis supports that this missense variant has a deleterious effect on protein structure/function; Has not been previously published as pathogenic or benign to our knowledge

NM_205768.3(ZBTB18):c.1336C>G (p.Pro446Ala)

Gene: ZBTB18 (zinc finger and BTB domain containing 18; plus strand). Cytogenetic location: 1q44.
Variant type: single nucleotide variant.
Coding change: c.1336C>G on transcript NM_205768.3 (MANE Select); coding-DNA position 1336, C replaced by G.
Protein change: p.Pro446Ala; replaces proline 446 with alanine.
Molecular consequence: missense variant. On other transcripts: 3 prime UTR variant (1).
Genome position (GRCh38, 1-based): chr1:244,055,110, C>G. VCF-style: chr1-244055110-C-G. GRCh37 (hg19) VCF-style: chr1-244218412-C-G.
Other names: c.1309C>G, p.Pro437Ala (NM_001278196.2, NM_006352.5); c.*513C>G (NM_001421566.1); short protein forms P437A, P446A.
Identifiers: ClinVar variation 4088211 (VCV004088211.1).